The following is an entry in ClinVar:

NM_004612.4(TGFBR1):c.1460G>C (p.Arg487Pro)

Gene: TGFBR1 (transforming growth factor beta receptor 1; plus strand). Cytogenetic location: 9q22.33.
Variant type: single nucleotide variant.
Coding change: c.1460G>C on transcript NM_004612.4 (MANE Select); coding-DNA position 1460, G replaced by C.
Protein change: p.Arg487Pro; replaces arginine 487 with proline.
Molecular consequence: missense variant.
Genome position (GRCh38, 1-based): chr9:99,149,253, G>C. VCF-style: chr9-99149253-G-C. GRCh37 (hg19) VCF-style: chr9-101911535-G-C.
Other names: c.1229G>C, p.Arg410Pro (NM_001130916.3); c.1472G>C, p.Arg491Pro (NM_001306210.2); c.1460G>C (NM_004612.3); short protein forms R487P, R410P, R491P.
Identifiers: ClinVar variation 12523 (VCV000012523.3), dbSNP rs113605875, ClinGen allele CA008778.

ClinVar aggregate classification (germline): Pathogenic. Review status: criteria provided, single submitter (1 of 4 stars). 2 submissions from 2 submitters: Pathogenic (1). 1 of the submissions does not count toward it. Last evaluated 2024-05-07.

Conditions:
Cardiovascular phenotype. Identifiers: MedGen CN230736.
Loeys-Dietz syndrome 1 (LDS1). Also called: FURLONG SYNDROME; TGFBR1-Related Loeys-Dietz Syndrome; AORTIC ANEURYSM, FAMILIAL THORACIC 5. Identifiers: Orphanet 60030, MedGen C4551955, MONDO:0012212, OMIM 609192.

Submissions (2):

Molecular Diagnostic Laboratory for Inherited Cardiovascular Disease, Montreal Heart Institute
Classification: Pathogenic for Cardiovascular phenotype. Last evaluated: 2024-05-07. Review status: criteria provided, single submitter. Criteria: ACMG Guidelines, 2015. Collection method: clinical testing. Allele origin: germline. Affected: yes.
Comment: PM1, PM2, PM5, PS3_supp, PS4_supp, PP1, PP3

OMIM
Classification: Pathogenic for LOEYS-DIETZ SYNDROME 1. Last evaluated: 2006-08-24. Review status: no assertion criteria provided. Collection method: literature only. Allele origin: germline. Not counted in ClinVar's aggregate classification.

Literature cited by the submitters: PubMed 15731757 (cited by OMIM); PubMed 16928994 (cited by OMIM).